The following is an entry in ClinVar:

NM_004958.4(MTOR):c.7158T>C (p.Ala2386=)

Gene: MTOR (mechanistic target of rapamycin kinase; minus strand). Cytogenetic location: 1p36.22.
Variant type: single nucleotide variant.
Coding change: c.7158T>C on transcript NM_004958.4 (MANE Select); coding-DNA position 7158, T replaced by C.
Protein change: p.Ala2386=; no amino-acid change (alanine 2386 retained).
Molecular consequence: synonymous variant.
Genome position (GRCh38, 1-based): chr1:11,114,819, A>G on the plus strand (T>C on the coding strand, the complement: MTOR is on the minus strand). VCF-style: chr1-11114819-A-G. GRCh37 (hg19) VCF-style: chr1-11174876-A-G.
Other names: c.7158T>C (LRG_734t1).
Identifiers: ClinVar variation 414907 (VCV000414907.40), dbSNP rs143035002, ClinGen allele CA588924.

ClinVar aggregate classification (germline): Benign/Likely benign. Review status: criteria provided, multiple submitters, no conflicts (2 of 4 stars). 5 submissions from 5 submitters: Benign (2); Likely benign (2). 1 of the submissions does not count toward it. Last evaluated 2026-01-19.

Conditions:
MTOR-related disorder. Also called: MTOR-related condition.

Allele frequency attached by ClinVar (database versions not stated): gnomAD exomes 0.00005 and 0.00014; ExAC 0.00013; gnomAD 0.00050 and 0.00058; ESP Exome Variant Server 0.00054; TOPMed 0.00058.
gnomAD v4.1: 153 of 1,614,020 alleles (0.0095%); highest among the groups gnomAD compares: African/African-American, 0.17%; no homozygotes.

Submissions (5):

Labcorp Genetics (formerly Invitae), Labcorp
Classification: Benign. Last evaluated: 2026-01-19. Review status: criteria provided, single submitter. Criteria: Invitae Variant Classification Sherloc (09022015). Collection method: clinical testing. Allele origin: germline.

Blueprint Genetics
Classification: Likely benign. Last evaluated: 2024-11-11. Review status: criteria provided, single submitter. Criteria: ACMG Guidelines, 2015. Collection method: clinical testing. Allele origin: germline.

CeGaT Center for Human Genetics Tuebingen
Classification: Likely benign. Last evaluated: 2023-01-01. Review status: criteria provided, single submitter. Criteria: CeGaT Center For Human Genetics Tuebingen Variant Classification Criteria Version 2. Collection method: clinical testing. Allele origin: germline. Affected: yes. Observed: 1 variant allele.
Comment: MTOR: BP4, BP7

GeneDx
Classification: Benign. Last evaluated: 2019-09-13. Review status: criteria provided, single submitter. Criteria: GeneDx Variant Classification Process June 2021. Collection method: clinical testing. Allele origin: germline. Affected: yes.

PreventionGenetics, part of Exact Sciences
Classification: Likely benign for MTOR-related condition. Last evaluated: 2021-12-01. Review status: no assertion criteria provided. Collection method: clinical testing. Allele origin: germline. Not counted in ClinVar's aggregate classification.
Comment: This variant is classified as likely benign based on ACMG/AMP sequence variant interpretation guidelines (Richards et al. 2015 PMID: 25741868, with internal and published modifications).